The following is an entry in ClinVar:

NM_001371986.1(UNC80):c.9094C>T (p.Arg3032Trp)

Gene: UNC80 (unc-80 subunit of NALCN channel complex; plus strand). Cytogenetic location: 2q34.
Variant type: single nucleotide variant.
Coding change: c.9094C>T on transcript NM_001371986.1 (MANE Select); coding-DNA position 9094, C replaced by T.
Protein change: p.Arg3032Trp; replaces arginine 3032 with tryptophan.
Molecular consequence: missense variant.
Genome position (GRCh38, 1-based): chr2:209,978,684, C>T. VCF-style: chr2-209978684-C-T. GRCh37 (hg19) VCF-style: chr2-210843408-C-T.
Other names: c.8896C>T, p.Arg2966Trp (NM_032504.2); c.8881C>T, p.Arg2961Trp (NM_182587.4); short protein forms R2961W, R2966W, R3032W.
Identifiers: ClinVar variation 1391417 (VCV001391417.4), dbSNP rs1265367593, ClinGen allele CA350414709.

ClinVar aggregate classification (germline): Uncertain significance (1 of 4 stars; one submission).

Allele frequency attached by ClinVar (database versions not stated): gnomAD 0.00001 and 0.00002; gnomAD exomes 0.00002 and 0.00004; TOPMed 0.00002.
gnomAD v4.1: 62 of 1,545,874 alleles (0.004%); highest among the groups gnomAD compares: East Asian, 0.12%; no homozygotes.

Submission:

Labcorp Genetics (formerly Invitae), Labcorp
Classification: Uncertain significance. Last evaluated: 2025-12-01. Review status: criteria provided, single submitter. Criteria: Invitae Variant Classification Sherloc (09022015). Collection method: clinical testing. Allele origin: germline.
Comment: This sequence change replaces arginine, which is basic and polar, with tryptophan, which is neutral and slightly polar, at codon 2966 of the UNC80 protein (p.Arg2966Trp). This variant is present in population databases (no rsID available, gnomAD 0.02%). This variant has not been reported in the literature in individuals affected with UNC80-related conditions. ClinVar contains an entry for this variant (Variation ID: 1391417). Invitae Evidence Modeling of protein sequence and biophysical properties (such as structural, functional, and spatial information, amino acid conservation, physicochemical variation, residue mobility, and thermodynamic stability) indicates that this missense variant is not expected to disrupt UNC80 protein function with a negative predictive value of 80%. In summary, the available evidence is currently insufficient to determine the role of this variant in disease. Therefore, it has been classified as a Variant of Uncertain Significance.